The following is an entry in ClinVar:

ClinVar aggregate classification (germline): Uncertain significance (1 of 4 stars; one submission).

Allele frequency attached by ClinVar (database versions not stated): gnomAD 0.00001; ExAC 0.00002.
gnomAD v4.1: 4 of 1,610,648 alleles (0.00025%); highest among the groups gnomAD compares: Non-Finnish European, 0.00025%; no homozygotes.

Submission:

Labcorp Genetics (formerly Invitae), Labcorp
Classification: Uncertain significance. Last evaluated: 2024-10-17. Review status: criteria provided, single submitter. Criteria: Invitae Variant Classification Sherloc (09022015). Collection method: clinical testing. Allele origin: germline.
Comment: This sequence change replaces arginine, which is basic and polar, with tryptophan, which is neutral and slightly polar, at codon 251 of the RCOR1 protein (p.Arg251Trp). This variant is present in population databases (rs781246079, gnomAD 0.004%). This variant has not been reported in the literature in individuals affected with RCOR1-related conditions. ClinVar contains an entry for this variant (Variation ID: 2093909). An algorithm developed to predict the effect of missense changes on protein structure and function (PolyPhen-2) suggests that this variant is likely to be disruptive. In summary, the available evidence is currently insufficient to determine the role of this variant in disease. Therefore, it has been classified as a Variant of Uncertain Significance.

NM_015156.4(RCOR1):c.751C>T (p.Arg251Trp)

Genes: RCOR1 (REST corepressor 1; plus strand), LOC126862063 (MED14-independent group 3 enhancer GRCh37_chr14:103174038-103175237; plus strand). Cytogenetic location: 14q32.32.
Variant type: single nucleotide variant.
Coding change: c.751C>T on transcript NM_015156.4 (MANE Select); coding-DNA position 751, C replaced by T.
Protein change: p.Arg251Trp; replaces arginine 251 with tryptophan.
Molecular consequence: missense variant.
Genome position (GRCh38, 1-based): chr14:102,708,555, C>T. VCF-style: chr14-102708555-C-T. GRCh37 (hg19) VCF-style: chr14-103174892-C-T.
Other names: short protein forms R251W.
Identifiers: ClinVar variation 2093909 (VCV002093909.4), dbSNP rs781246079, ClinGen allele CA7358883.